The following is an entry in ClinVar:

ClinVar aggregate classification (germline): Uncertain significance (1 of 4 stars; one submission).

Allele frequency attached by ClinVar (database versions not stated): ExAC 0.00002; gnomAD 0.00002; TOPMed 0.00002; gnomAD exomes 0.00003.
gnomAD v4.1: 45 of 1,613,422 alleles (0.0028%); highest among the groups gnomAD compares: Middle Eastern, 0.066%; no homozygotes.

Submission:

Women's Health and Genetics/Laboratory Corporation of America, LabCorp
Classification: Uncertain significance. Last evaluated: 2023-08-01. Review status: criteria provided, single submitter. Criteria: LabCorp Variant Classification Summary - May 2015. Collection method: clinical testing. Allele origin: germline.
Comment: Variant summary: NF1 c.4773-29639A>G is located at a position not widely known to affect splicing. 4/4 computational tools predict no significant impact on normal splicing. However, these predictions have yet to be confirmed by functional studies. This variant also affects another gene, embedded within intron 35 of the NF1 gene (NM_000267.3), resulting in a missense change, i.e. OMG c.151T>C (p.Ser51Pro). The variant allele was found at a frequency of 2.8e-05 in 250884 control chromosomes (gnomAD). The available data on variant occurrences in the general population are insufficient to allow any conclusion about variant significance. To our knowledge, no occurrence of c.4773-29639A>G in individuals affected with Neurofibromatosis Type 1 and no experimental evidence demonstrating its impact on protein function have been reported. No submitters have cited clinical-significance assessments for this variant to ClinVar after 2014. Based on the evidence outlined above, the variant was classified as VUS-possibly benign.

NM_001042492.3(NF1):c.4836-29639A>G

Genes: NF1 (neurofibromin 1; plus strand), OMG (oligodendrocyte myelin glycoprotein; minus strand). Cytogenetic location: 17q11.2.
Variant type: single nucleotide variant.
Coding change: c.4836-29639A>G on transcript NM_001042492.3 (MANE Select); 29639 bases into the intron before coding-DNA position 4836, A replaced by G.
Molecular consequence: intron variant. On other transcripts: missense variant (1).
Genome position (GRCh38, 1-based): chr17:31,296,181, A>G. VCF-style: chr17-31296181-A-G. GRCh37 (hg19) VCF-style: chr17-29623199-A-G.
Other names: c.151T>C, p.Ser51Pro (NM_002544.5); c.4773-29639A>G (NM_000267.4); short protein forms S51P.
Identifiers: ClinVar variation 2581202 (VCV002581202.1), dbSNP rs758305498, ClinGen allele CA8486626.